The following is an entry in ClinVar:

NM_001142800.2(EYS):c.6557G>C (p.Gly2186Ala)

Gene: EYS (EGF-like photoreceptor maintenance factor; minus strand). Cytogenetic location: 6q12.
Variant type: single nucleotide variant.
Coding change: c.6557G>C on transcript NM_001142800.2 (MANE Select); coding-DNA position 6557, G replaced by C.
Protein change: p.Gly2186Ala; replaces glycine 2186 with alanine.
Molecular consequence: missense variant.
Genome position (GRCh38, 1-based): chr6:64,081,870, C>G on the plus strand (G>C on the coding strand, the complement: EYS is on the minus strand). VCF-style: chr6-64081870-C-G. GRCh37 (hg19) VCF-style: chr6-64791763-C-G.
Other names: c.6557G>C, p.Gly2186Ala (NM_001292009.2); short protein forms G2186A.
Identifiers: ClinVar variation 1919292 (VCV001919292.5), dbSNP rs527236068, ClinGen allele CA140278469.

ClinVar aggregate classification (germline): Uncertain significance (1 of 4 stars; one submission).

gnomAD v4.1: 18 of 1,532,036 alleles (0.0012%); highest among the groups gnomAD compares: Non-Finnish European, 0.0015%; no homozygotes.

Submission:

Labcorp Genetics (formerly Invitae), Labcorp
Classification: Uncertain significance. Last evaluated: 2023-08-25. Review status: criteria provided, single submitter. Criteria: Invitae Variant Classification Sherloc (09022015). Collection method: clinical testing. Allele origin: germline.
Comment: In summary, the available evidence is currently insufficient to determine the role of this variant in disease. Therefore, it has been classified as a Variant of Uncertain Significance. This variant disrupts the p.Gly2186 amino acid residue in EYS. Other variant(s) that disrupt this residue have been determined to be pathogenic (PMID: 20237254, 20537394). This suggests that this residue is clinically significant, and that variants that disrupt this residue are likely to be disease-causing. Advanced modeling of protein sequence and biophysical properties (such as structural, functional, and spatial information, amino acid conservation, physicochemical variation, residue mobility, and thermodynamic stability) has been performed at Invitae for this missense variant, however the output from this modeling did not meet the statistical confidence thresholds required to predict the impact of this variant on EYS protein function. ClinVar contains an entry for this variant (Variation ID: 1919292). This variant has not been reported in the literature in individuals affected with EYS-related conditions. This variant is not present in population databases (gnomAD no frequency). This sequence change replaces glycine, which is neutral and non-polar, with alanine, which is neutral and non-polar, at codon 2186 of the EYS protein (p.Gly2186Ala).

Literature cited by the submitters: PubMed 20237254; PubMed 20537394.